The following is an entry in ClinVar:

NM_000136.3(FANCC):c.94C>T (p.Gln32Ter)

Gene: FANCC (FA complementation group C; minus strand). Cytogenetic location: 9q22.32.
Variant type: single nucleotide variant.
Coding change: c.94C>T on transcript NM_000136.3 (MANE Select); coding-DNA position 94, C replaced by T.
Protein change: p.Gln32Ter; replaces glutamine 32 with a stop codon.
Molecular consequence: nonsense.
Genome position (GRCh38, 1-based): chr9:95,249,198, G>A on the plus strand (C>T on the coding strand, the complement: FANCC is on the minus strand). VCF-style: chr9-95249198-G-A. GRCh37 (hg19) VCF-style: chr9-98011480-G-A.
Other names: c.94C>T, p.Gln32Ter (NM_001243743.2, NM_001243744.2); short protein forms Q32*.
Identifiers: ClinVar variation 3230402 (VCV003230402.1), dbSNP rs1831176210, ClinGen allele CA374340347.

ClinVar aggregate classification (germline): Pathogenic (1 of 4 stars; one submission).

Conditions:
Hereditary cancer-predisposing syndrome. Also called: Neoplastic Syndromes, Hereditary; Tumor predisposition; Hereditary neoplastic syndrome; Hereditary Cancer Syndrome. Identifiers: Orphanet 140162, MedGen C0027672, MeSH D009386, MONDO:0015356.

Submission:

Ambry Genetics
Classification: Pathogenic for Hereditary cancer-predisposing syndrome. Last evaluated: 2024-03-13. Review status: criteria provided, single submitter. Criteria: Ambry Variant Classification Scheme 2023. Collection method: clinical testing. Allele origin: germline.
Comment: The p.Q32* variant (also known as c.94C>T), located in coding exon 1 of the FANCC gene, results from a C to T substitution at nucleotide position 94. This changes the amino acid from a glutamine to a stop codon within coding exon 1. This alteration is expected to result in loss of function by premature protein truncation or nonsense-mediated mRNA decay. This variant is considered to be rare based on population cohorts in the Genome Aggregation Database (gnomAD). As such, this alteration is interpreted as a disease-causing mutation.